The following is an entry in ClinVar:

NM_002292.4(LAMB2):c.2095G>C (p.Gly699Arg)

Gene: LAMB2 (laminin subunit beta 2; minus strand). Cytogenetic location: 3p21.31.
Variant type: single nucleotide variant.
Coding change: c.2095G>C on transcript NM_002292.4 (MANE Select); coding-DNA position 2095, G replaced by C.
Protein change: p.Gly699Arg; replaces glycine 699 with arginine.
Molecular consequence: missense variant.
Genome position (GRCh38, 1-based): chr3:49,126,421, C>G on the plus strand (G>C on the coding strand, the complement: LAMB2 is on the minus strand). VCF-style: chr3-49126421-C-G. GRCh37 (hg19) VCF-style: chr3-49163854-C-G.
Other names: short protein forms G699R.
Identifiers: ClinVar variation 703419 (VCV000703419.18), dbSNP rs28364667, ClinGen allele CA2394407.

ClinVar aggregate classification (germline): Benign/Likely benign. Review status: criteria provided, multiple submitters, no conflicts (2 of 4 stars). 5 submissions from 4 submitters: Benign (3); Likely benign (2). Last evaluated 2025-12-01.

Conditions:
Pierson syndrome. Also called: MICROCORIA-CONGENITAL NEPHROTIC SYNDROME. Identifiers: Orphanet 2670, MedGen C1836876, MONDO:0012184, OMIM 609049.
LAMB2-related infantile-onset nephrotic syndrome. Also called: NEPHROTIC SYNDROME, TYPE 5, WITHOUT OCULAR ABNORMALITIES; NEPHROTIC SYNDROME, TYPE 5, WITH OCULAR ABNORMALITIES; Nephrotic Syndrome, type 5. Identifiers: Orphanet 306507, MedGen C3280113, MONDO:0013621, OMIM 614199.

Allele frequency attached by ClinVar (database versions not stated): gnomAD exomes 0.00026 and 0.00087; gnomAD 0.00030 and 0.00042; TOPMed 0.00053; ExAC 0.00091; 1000 Genomes Project 0.00140; 1000 Genomes Project 30x 0.00187.
gnomAD v4.1: 450 of 1,614,210 alleles (0.028%); highest among the groups gnomAD compares: East Asian, 0.85%; 4 homozygotes.

Submissions (5):

Labcorp Genetics (formerly Invitae), Labcorp
Classification: Benign for LAMB2-related infantile-onset nephrotic syndrome; Pierson syndrome. Last evaluated: 2025-12-01. Review status: criteria provided, single submitter. Criteria: Invitae Variant Classification Sherloc (09022015). Collection method: clinical testing. Allele origin: germline.

Blueprint Genetics
Classification: Likely benign. Last evaluated: 2024-10-01. Review status: criteria provided, single submitter. Criteria: ACMG Guidelines, 2015. Collection method: clinical testing. Allele origin: germline.

GeneDx
Classification: Likely benign. Last evaluated: 2021-04-15. Review status: criteria provided, single submitter. Criteria: GeneDx Variant Classification Process June 2021. Collection method: clinical testing. Allele origin: germline. Affected: yes.
Comment: See Variant Classification Assertion Criteria.

Illumina Laboratory Services, Illumina
Classification: Benign for LAMB2-related infantile-onset nephrotic syndrome. Last evaluated: 2017-04-28. Review status: criteria provided, single submitter. Criteria: ICSL Variant Classification Criteria 13 December 2019. Collection method: clinical testing. Allele origin: germline.
Comment: This variant was observed as part of a predisposition screen in an ostensibly healthy population. A literature search was performed for the gene, cDNA change, and amino acid change (where applicable). Publications were found based on this search. The evidence from the literature, in combination with allele frequency data from public databases where available, was sufficient to rule this variant out of causing disease. Therefore, this variant is classified as benign.

Illumina Laboratory Services, Illumina
Classification: Benign for Pierson syndrome. Last evaluated: 2017-04-28. Review status: criteria provided, single submitter. Criteria: ICSL Variant Classification Criteria 13 December 2019. Collection method: clinical testing. Allele origin: germline.
Comment: the same text as in the submission from Illumina Laboratory Services, Illumina above.

Literature cited by the submitters: PubMed 26467726 (cited by Illumina Laboratory Services, Illumina).